The following is an entry in ClinVar:

ClinVar aggregate classification (germline): Pathogenic, low penetrance (1 of 4 stars; one submission).

Conditions:
Age related macular degeneration 4. Identifiers: MedGen C1853147, MONDO:0012540, OMIM 610698.

Submission:

Genomenon, Inc
Classification: Pathogenic, low penetrance for Age related macular degeneration 4. Last evaluated: 2025-10-02. Review status: criteria provided, single submitter. Criteria: Genomenon Sequence Variant Interpretation Standards - Updated. Collection method: curation. Allele origin: germline. Affected: yes.
Comment: CFH c.428-2A>G is a canonical splice variant located in the acceptor splice region of intron 4. It is predicted to affect mRNA splicing, leading to a deleterious effect on the CFH protein. This variant has been observed in at least one proband affected with age-related macular degeneration (PMID:25814826). It is absent or not present at a significant frequency in gnomAD. In conclusion, we classify CFH c.428-2A>G as a pathogenic, low penetrance variant.

Literature cited by the submitters: PubMed 25814826.

NM_000186.4(CFH):c.428-2A>G

Gene: CFH (complement factor H; plus strand). Cytogenetic location: 1q31.3.
Variant type: single nucleotide variant.
Coding change: c.428-2A>G on transcript NM_000186.4 (MANE Select); the canonical splice acceptor site of the intron before coding-DNA position 428, A replaced by G.
Molecular consequence: splice acceptor variant.
Genome position (GRCh38, 1-based): chr1:196,677,474, A>G. VCF-style: chr1-196677474-A-G. GRCh37 (hg19) VCF-style: chr1-196646604-A-G.
Other names: c.428-2A>G (NM_001014975.3).
Identifiers: ClinVar variation 4291697 (VCV004291697.1).